The following is an entry in ClinVar:

ClinVar aggregate classification (germline): Uncertain significance (1 of 4 stars; one submission).

Conditions:
Ataxia-telangiectasia syndrome (AT). Also called: LOUIS-BAR SYNDROME; Cerebello-oculocutaneous telangiectasia; Immunodeficiency with ataxia telangiectasia; Ataxia telangiectasia (A-T); Ataxia-telangiectasia, complementation group D; AT, COMPLEMENTATION GROUP C. Identifiers: Orphanet 100, MedGen C0004135, MONDO:0008840, OMIM 208900.

Submission:

Labcorp Genetics (formerly Invitae), Labcorp
Classification: Uncertain significance for Ataxia-telangiectasia syndrome. Last evaluated: 2022-10-31. Review status: criteria provided, single submitter. Criteria: Invitae Variant Classification Sherloc (09022015). Collection method: clinical testing. Allele origin: germline.
Comment: In summary, the available evidence is currently insufficient to determine the role of this variant in disease. Therefore, it has been classified as a Variant of Uncertain Significance. Algorithms developed to predict the effect of missense changes on protein structure and function are either unavailable or do not agree on the potential impact of this missense change (SIFT: "Deleterious"; PolyPhen-2: "Possibly Damaging"; Align-GVGD: "Class C0"). This variant has not been reported in the literature in individuals affected with ATM-related conditions. This variant is not present in population databases (gnomAD no frequency). This sequence change replaces isoleucine, which is neutral and non-polar, with leucine, which is neutral and non-polar, at codon 2701 of the ATM protein (p.Ile2701Leu).

NM_000051.4(ATM):c.8101A>C (p.Ile2701Leu)

Genes: ATM (ATM serine/threonine kinase; plus strand), C11orf65 (chromosome 11 open reading frame 65; minus strand). Cytogenetic location: 11q22.3.
Variant type: single nucleotide variant.
Coding change: c.8101A>C on transcript NM_000051.4 (MANE Select); coding-DNA position 8101, A replaced by C.
Protein change: p.Ile2701Leu; replaces isoleucine 2701 with leucine.
Molecular consequence: missense variant. On other transcripts: intron variant (2).
Genome position (GRCh38, 1-based): chr11:108,335,059, A>C. VCF-style: chr11-108335059-A-C. GRCh37 (hg19) VCF-style: chr11-108205786-A-C.
Other names: c.8101A>C, p.Ile2701Leu (NM_001351834.2); c.641-25988T>G (NM_001330368.2); c.*38+161T>G (NM_001351110.2); short protein forms I2701L.
Identifiers: ClinVar variation 2811082 (VCV002811082.3), dbSNP rs757935358, ClinGen allele CA382562103.
Genomic context (GRCh38, chr11:108,335,059, plus strand): 5'-GTGACTATACAGTCATTTAAAGCAGAATTTCGCTTAGCAGGAGGTGTAAATTTACCAAAA[A>C]TAATAGATTGTGTAGGTTCCGATGGCAAGGAGAGGAGACAGCTTGTTAAGGTGAGCCTTC-3'
Protein context (NP_000042.3, residues 2691-2711): RLAGGVNLPK[Ile2701Leu]IDCVGSDGKE